The following is an entry in ClinVar:

NM_000051.4(ATM):c.1245T>G (p.Ile415Met)

Gene: ATM (ATM serine/threonine kinase; plus strand). Cytogenetic location: 11q22.3.
Variant type: single nucleotide variant.
Coding change: c.1245T>G on transcript NM_000051.4 (MANE Select); coding-DNA position 1245, T replaced by G.
Protein change: p.Ile415Met; replaces isoleucine 415 with methionine.
Molecular consequence: missense variant.
Genome position (GRCh38, 1-based): chr11:108,250,710, T>G. VCF-style: chr11-108250710-T-G. GRCh37 (hg19) VCF-style: chr11-108121437-T-G.
Other names: c.1245T>G, p.Ile415Met (NM_001351834.2); short protein forms I415M.
Identifiers: ClinVar variation 407485 (VCV000407485.13), dbSNP rs1060501554, ClinGen allele CA16613059.

ClinVar aggregate classification (germline): Uncertain significance. Review status: criteria provided, multiple submitters, no conflicts (2 of 4 stars). 2 submissions from 2 submitters: Uncertain significance (2). Last evaluated 2025-11-10.

Conditions:
Hereditary cancer-predisposing syndrome. Also called: Hereditary neoplastic syndrome; Neoplastic Syndromes, Hereditary; Tumor predisposition; Hereditary Cancer Syndrome. Identifiers: Orphanet 140162, MedGen C0027672, MeSH D009386, MONDO:0015356.
Ataxia-telangiectasia syndrome (AT). Also called: Ataxia telangiectasia (A-T); LOUIS-BAR SYNDROME; Cerebello-oculocutaneous telangiectasia; Immunodeficiency with ataxia telangiectasia; Ataxia-telangiectasia, complementation group D; AT, COMPLEMENTATION GROUP C. Identifiers: Orphanet 100, MedGen C0004135, MONDO:0008840, OMIM 208900.

Allele frequency attached by ClinVar (database versions not stated): gnomAD exomes below 0.00001.
gnomAD v4.1: 2 of 1,605,190 alleles (0.00012%); highest among the groups gnomAD compares: Non-Finnish European, 0.000085%; no homozygotes.

Submissions (2):

Labcorp Genetics (formerly Invitae), Labcorp
Classification: Uncertain significance for Ataxia-telangiectasia syndrome. Last evaluated: 2025-11-10. Review status: criteria provided, single submitter. Criteria: Invitae Variant Classification Sherloc (09022015). Collection method: clinical testing. Allele origin: germline.
Comment: This sequence change replaces isoleucine, which is neutral and non-polar, with methionine, which is neutral and non-polar, at codon 415 of the ATM protein (p.Ile415Met). This variant is not present in population databases (gnomAD no frequency). This variant has not been reported in the literature in individuals affected with ATM-related conditions. ClinVar contains an entry for this variant (Variation ID: 407485). Invitae Evidence Modeling of protein sequence and biophysical properties (such as structural, functional, and spatial information, amino acid conservation, physicochemical variation, residue mobility, and thermodynamic stability) indicates that this missense variant is not expected to disrupt ATM protein function with a negative predictive value of 95%. In summary, the available evidence is currently insufficient to determine the role of this variant in disease. Therefore, it has been classified as a Variant of Uncertain Significance.

Ambry Genetics
Classification: Uncertain significance for Hereditary cancer-predisposing syndrome. Last evaluated: 2017-03-08. Review status: criteria provided, single submitter. Criteria: Ambry Variant Classification Scheme 2023. Collection method: clinical testing. Allele origin: germline.
Comment: The p.I415M variant (also known as c.1245T>G), located in coding exon 9 of the ATM gene, results from a T to G substitution at nucleotide position 1245. The isoleucine at codon 415 is replaced by methionine, an amino acid with highly similar properties. This amino acid position is highly conserved in available vertebrate species. In addition, the in silico prediction for this alteration is inconclusive. Since supporting evidence is limited at this time, the clinical significance of this alteration remains unclear.